The following is an entry in ClinVar:

NM_004104.5(FASN):c.5094C>T (p.Thr1698=)

Gene: FASN (fatty acid synthase; minus strand). Cytogenetic location: 17q25.3.
Variant type: single nucleotide variant.
Coding change: c.5094C>T on transcript NM_004104.5 (MANE Select); coding-DNA position 5094, C replaced by T.
Protein change: p.Thr1698=; no amino-acid change (threonine 1698 retained).
Molecular consequence: synonymous variant.
Genome position (GRCh38, 1-based): chr17:82,083,979, G>A on the plus strand (C>T on the coding strand, the complement: FASN is on the minus strand). VCF-style: chr17-82083979-G-A. GRCh37 (hg19) VCF-style: chr17-80041855-G-A.
Identifiers: ClinVar variation 531153 (VCV000531153.13), dbSNP rs576100145, ClinGen allele CA8851838.
Genomic context (GRCh38, chr17:82,083,979, plus strand): 5'-GAGCCAGGGCGGCGGGGCCAGGAGGGCAGCGGGAGGCACCGGGGGCGGGGCCTTACCCAC[G>A]GTGGTGAAGACGCGGCAGCCCAGACTGAGGGCGATGGCGATGGCGGCCTGGCCCACGCCG-3'
Protein context (NP_004095.4, residues 1688-1708): ALSLGCRVFT[Thr1698=]VGSAEKRAYL

ClinVar aggregate classification (germline): Likely benign. Review status: criteria provided, single submitter (1 of 4 stars). 2 submissions from 2 submitters: Likely benign (1). 1 of the submissions does not count toward it. Last evaluated 2025-12-11.

Conditions:
Epileptic encephalopathy. Identifiers: MedGen C0543888, HP:0200134.
FASN-related disorder. Also called: FASN-related condition.

Allele frequency attached by ClinVar (database versions not stated): gnomAD exomes 0.00007; gnomAD 0.00011 and 0.00012; TOPMed 0.00012; 1000 Genomes Project 30x 0.00016; 1000 Genomes Project 0.00020; ExAC 0.00021.

Submissions (2):

Labcorp Genetics (formerly Invitae), Labcorp
Classification: Likely benign for Epileptic encephalopathy. Last evaluated: 2025-12-11. Review status: criteria provided, single submitter. Criteria: Invitae Variant Classification Sherloc (09022015). Collection method: clinical testing. Allele origin: germline.

PreventionGenetics, part of Exact Sciences
Classification: Likely benign for FASN-related condition. Last evaluated: 2019-09-17. Review status: no assertion criteria provided. Collection method: clinical testing. Allele origin: germline. Not counted in ClinVar's aggregate classification.
Comment: This variant is classified as likely benign based on ACMG/AMP sequence variant interpretation guidelines (Richards et al. 2015 PMID: 25741868, with internal and published modifications).